The following is an entry in ClinVar:

NM_000548.5(TSC2):c.1955A>G (p.Glu652Gly)

Gene: TSC2 (TSC complex subunit 2; plus strand). Cytogenetic location: 16p13.3.
Variant type: single nucleotide variant.
Coding change: c.1955A>G on transcript NM_000548.5 (MANE Select); coding-DNA position 1955, A replaced by G.
Protein change: p.Glu652Gly; replaces glutamic acid 652 with glycine.
Molecular consequence: missense variant.
Genome position (GRCh38, 1-based): chr16:2,071,792, A>G. VCF-style: chr16-2071792-A-G. GRCh37 (hg19) VCF-style: chr16-2121793-A-G.
Other names: c.1955A>G, p.Glu652Gly (NM_001077183.3, NM_001114382.3, NM_021055.3 and 6 more transcripts); c.1844A>G, p.Glu615Gly (NM_001318827.2, NM_001406678.1, NM_001406670.1); c.1808A>G, p.Glu603Gly (NM_001318829.2, NM_001406675.1, NM_001406676.1 and 1 more transcripts); c.1355A>G, p.Glu452Gly (NM_001318831.2, NM_001406680.1, NM_001406682.1 and 6 more transcripts); c.1943A>G, p.Glu648Gly (NM_001406671.1, NM_001406673.1); c.1898A>G, p.Glu633Gly (NM_001406677.1); c.1493A>G, p.Glu498Gly (NM_001406681.1); c.611A>G, p.Glu204Gly (NM_001406692.1, NM_001406693.1, NM_001406694.1 and 6 more transcripts); and 3 more; short protein forms E648G, E652G, E118G, E615G, E452G, E498G, E603G, E663G.
Identifiers: ClinVar variation 2089377 (VCV002089377.4), dbSNP rs2151303846, ClinGen allele CA394273596.

ClinVar aggregate classification (germline): Uncertain significance (1 of 4 stars; one submission).

Conditions:
Tuberous sclerosis 2 (TSC2). Identifiers: Orphanet 805, MedGen C1860707, MONDO:0013199, OMIM 613254.

Submission:

Labcorp Genetics (formerly Invitae), Labcorp
Classification: Uncertain significance for Tuberous sclerosis 2. Last evaluated: 2022-01-24. Review status: criteria provided, single submitter. Criteria: Invitae Variant Classification Sherloc (09022015). Collection method: clinical testing. Allele origin: germline.
Comment: This variant has not been reported in the literature in individuals affected with TSC2-related conditions. This variant is not present in population databases (gnomAD no frequency). This sequence change replaces glutamic acid, which is acidic and polar, with glycine, which is neutral and non-polar, at codon 652 of the TSC2 protein (p.Glu652Gly). Advanced modeling of protein sequence and biophysical properties (such as structural, functional, and spatial information, amino acid conservation, physicochemical variation, residue mobility, and thermodynamic stability) performed at Invitae indicates that this missense variant is not expected to disrupt TSC2 protein function. In summary, the available evidence is currently insufficient to determine the role of this variant in disease. Therefore, it has been classified as a Variant of Uncertain Significance.